The following is an entry in ClinVar:

NM_001378454.1(ALMS1):c.9407A>G (p.Asn3136Ser)

Gene: ALMS1 (ALMS1 centrosome and basal body associated protein; plus strand). Cytogenetic location: 2p13.1.
Variant type: single nucleotide variant.
Coding change: c.9407A>G on transcript NM_001378454.1 (MANE Select); coding-DNA position 9407, A replaced by G.
Protein change: p.Asn3136Ser; replaces asparagine 3136 with serine.
Molecular consequence: missense variant.
Genome position (GRCh38, 1-based): chr2:73,491,366, A>G. VCF-style: chr2-73491366-A-G. GRCh37 (hg19) VCF-style: chr2-73718493-A-G.
Other names: c.9410A>G, p.Asn3137Ser (NM_015120.4); short protein forms N3137S, N3136S.
Identifiers: ClinVar variation 1766888 (VCV001766888.6), dbSNP rs535079189, ClinGen allele CA1714656.

ClinVar aggregate classification (germline): Uncertain significance. Review status: criteria provided, multiple submitters, no conflicts (2 of 4 stars). 4 submissions from 4 submitters: Uncertain significance (3). 1 of the submissions does not count toward it. Last evaluated 2025-03-17.

Conditions:
Cardiovascular phenotype. Identifiers: MedGen CN230736.
Alstrom syndrome (ALMS). Identifiers: Orphanet 64, MedGen C0268425, MONDO:0008763, OMIM 203800.

Allele frequency attached by ClinVar (database versions not stated): gnomAD exomes below 0.00001; TOPMed 0.00001; ExAC 0.00002; gnomAD 0.00003; 1000 Genomes Project 30x 0.00016; 1000 Genomes Project 0.00020.
gnomAD v4.1: 5 of 1,614,148 alleles (0.00031%); highest among the groups gnomAD compares: African/African-American, 0.0053%; no homozygotes.

Submissions (4):

Labcorp Genetics (formerly Invitae), Labcorp
Classification: Uncertain significance for Alstrom syndrome. Last evaluated: 2025-03-17. Review status: criteria provided, single submitter. Criteria: Invitae Variant Classification Sherloc (09022015). Collection method: clinical testing. Allele origin: germline.
Comment: This sequence change replaces asparagine, which is neutral and polar, with serine, which is neutral and polar, at codon 3137 of the ALMS1 protein (p.Asn3137Ser). This variant is present in population databases (rs535079189, gnomAD 0.01%). This variant has not been reported in the literature in individuals affected with ALMS1-related conditions. ClinVar contains an entry for this variant (Variation ID: 1766888). Experimental studies and prediction algorithms are not available or were not evaluated, and the functional significance of this variant is currently unknown. In summary, the available evidence is currently insufficient to determine the role of this variant in disease. Therefore, it has been classified as a Variant of Uncertain Significance.

Women's Health and Genetics/Laboratory Corporation of America, LabCorp
Classification: Uncertain significance. Last evaluated: 2024-06-17. Review status: criteria provided, single submitter. Criteria: LabCorp Variant Classification Summary - May 2015. Collection method: clinical testing. Allele origin: germline.

Ambry Genetics
Classification: Uncertain significance for Cardiovascular phenotype. Last evaluated: 2022-10-18. Review status: criteria provided, single submitter. Criteria: Ambry Variant Classification Scheme 2023. Collection method: clinical testing. Allele origin: germline.
Comment: The p.N3137S variant (also known as c.9410A>G), located in coding exon 10 of the ALMS1 gene, results from an A to G substitution at nucleotide position 9410. The asparagine at codon 3137 is replaced by serine, an amino acid with highly similar properties. This amino acid position is not well conserved in available vertebrate species. In addition, this alteration is predicted to be tolerated by in silico analysis. Since supporting evidence is limited at this time, the clinical significance of this alteration remains unclear.

Natera, Inc.
Classification: Uncertain significance for Alstrom syndrome. Last evaluated: 2025-03-10. Review status: no assertion criteria provided. Collection method: clinical testing. Allele origin: germline. Not counted in ClinVar's aggregate classification.